The following is an entry in ClinVar:

NM_032380.5(GFM2):c.1424C>T (p.Ala475Val)

Gene: GFM2 (GTP dependent ribosome recycling factor mitochondrial 2; minus strand). Cytogenetic location: 5q13.3.
Variant type: single nucleotide variant.
Coding change: c.1424C>T on transcript NM_032380.5 (MANE Select); coding-DNA position 1424, C replaced by T.
Protein change: p.Ala475Val; replaces alanine 475 with valine.
Molecular consequence: missense variant. On other transcripts: non-coding transcript variant (1).
Genome position (GRCh38, 1-based): chr5:74,736,882, G>A on the plus strand (C>T on the coding strand, the complement: GFM2 is on the minus strand). VCF-style: chr5-74736882-G-A. GRCh37 (hg19) VCF-style: chr5-74032707-G-A.
Other names: p.A475V:GCA>GTA; c.1520C>T, p.Ala507Val (NM_001281302.2); c.1424C>T, p.Ala475Val (NM_170681.3); c.1283C>T, p.Ala428Val (NM_170691.3); short protein forms A475V, A428V, A507V.
Identifiers: ClinVar variation 214503 (VCV000214503.15), dbSNP rs142986380, ClinGen allele CA321562.

ClinVar aggregate classification (germline): Conflicting classifications of pathogenicity. Review status: criteria provided, conflicting classifications (1 of 4 stars). 5 submissions from 5 submitters: Uncertain significance (1); Likely benign (3). 1 of the submissions does not count toward it. Last evaluated 2026-09-25.

Conditions:
GFM2-related disorder. Also called: GFM2-related condition.
Inborn genetic diseases. Identifiers: MedGen C0950123, MeSH D030342.

Allele frequency attached by ClinVar (database versions not stated): ESP Exome Variant Server 0.00077; gnomAD 0.00094 and 0.00098; TOPMed 0.00105; ExAC 0.00026; 1000 Genomes Project 0.00080; 1000 Genomes Project 30x 0.00062; gnomAD exomes 0.00012 and 0.00023.
gnomAD v4.1: 321 of 1,613,918 alleles (0.02%); highest among the groups gnomAD compares: African/African-American, 0.36%; 2 homozygotes.

Submissions (5):

GeneDx
Classification: Uncertain significance. Last evaluated: 2026-09-25. Review status: criteria provided, single submitter. Criteria: GeneDx Variant Classification Process June 2021. Collection method: clinical testing. Allele origin: germline.
Comment: Has not been previously published as pathogenic or benign to our knowledge; In silico analysis suggests that this missense variant does not alter protein structure/function

Labcorp Genetics (formerly Invitae), Labcorp
Classification: Likely benign. Last evaluated: 2025-12-16. Review status: criteria provided, single submitter. Criteria: Invitae Variant Classification Sherloc (09022015). Collection method: clinical testing. Allele origin: germline.

Ambry Genetics
Classification: Likely benign for Inborn genetic diseases. Last evaluated: 2022-04-25. Review status: criteria provided, single submitter. Criteria: Ambry Variant Classification Scheme 2023. Collection method: clinical testing. Allele origin: germline.

Breakthrough Genomics
Classification: Likely benign. Review status: criteria provided, single submitter. Criteria: ACMG Guidelines, 2015. Collection method: not provided. Allele origin: germline. Inheritance: Autosomal recessive inheritance. Affected: yes.

PreventionGenetics, part of Exact Sciences
Classification: Likely benign for GFM2-related condition. Last evaluated: 2024-04-05. Review status: no assertion criteria provided. Collection method: clinical testing. Allele origin: germline. Not counted in ClinVar's aggregate classification.
Comment: This variant is classified as likely benign based on ACMG/AMP sequence variant interpretation guidelines (Richards et al. 2015 PMID: 25741868, with internal and published modifications).